The following is an entry in ClinVar:

ClinVar aggregate classification (germline): Uncertain significance. Review status: criteria provided, single submitter (1 of 4 stars). 2 submissions from 2 submitters: Uncertain significance (1). 1 of the submissions does not count toward it. Last evaluated 2022-08-02.

Conditions:
SLC25A26-related disorder. Also called: SLC25A26-related condition.

Allele frequency attached by ClinVar (database versions not stated): ExAC 0.00026.
gnomAD v4.1: 134 of 1,591,592 alleles (0.0084%); highest among the groups gnomAD compares: Middle Eastern, 0.12%; no homozygotes.

Submissions (2):

Labcorp Genetics (formerly Invitae), Labcorp
Classification: Uncertain significance. Last evaluated: 2022-08-02. Review status: criteria provided, single submitter. Criteria: Invitae Variant Classification Sherloc (09022015). Collection method: clinical testing. Allele origin: germline.
Comment: This sequence change falls in intron 6 of the SLC25A26 gene. It does not directly change the encoded amino acid sequence of the SLC25A26 protein. It affects a nucleotide within the consensus splice site. This variant is present in population databases (rs781692480, gnomAD 0.02%). This variant has not been reported in the literature in individuals affected with SLC25A26-related conditions. Variants that disrupt the consensus splice site are a relatively common cause of aberrant splicing (PMID: 17576681, 9536098). Algorithms developed to predict the effect of sequence changes on RNA splicing suggest that this variant is not likely to affect RNA splicing. In summary, the available evidence is currently insufficient to determine the role of this variant in disease. Therefore, it has been classified as a Variant of Uncertain Significance.

PreventionGenetics, part of Exact Sciences
Classification: Likely benign for SLC25A26-related condition. Last evaluated: 2021-12-29. Review status: no assertion criteria provided. Collection method: clinical testing. Allele origin: germline. Not counted in ClinVar's aggregate classification.
Comment: This variant is classified as likely benign based on ACMG/AMP sequence variant interpretation guidelines (Richards et al. 2015 PMID: 25741868, with internal and published modifications).

Literature cited by the submitters: PubMed 17576681 (cited by Labcorp Genetics (formerly Invitae), Labcorp); PubMed 9536098 (cited by Labcorp Genetics (formerly Invitae), Labcorp).

NM_001379210.1(SLC25A26):c.568+6A>C

Gene: SLC25A26 (solute carrier family 25 member 26; plus strand). Cytogenetic location: 3p14.1.
Variant type: single nucleotide variant.
Coding change: c.568+6A>C on transcript NM_001379210.1 (MANE Select); 6 bases into the intron after coding-DNA position 568, A replaced by C.
Molecular consequence: intron variant.
Genome position (GRCh38, 1-based): chr3:66,362,935, A>C. VCF-style: chr3-66362935-A-C. GRCh37 (hg19) VCF-style: chr3-66413359-A-C.
Other names: c.568+6A>C (NM_173471.4, NM_001400705.1, NM_173471.3); c.304+6A>C (NM_001350993.1, NM_001164796.1, NM_001400711.1 and 1 more transcripts); c.523+6A>C (NM_001400707.1); c.259+6A>C (NM_001400714.1).
Identifiers: ClinVar variation 2175441 (VCV002175441.3), dbSNP rs781692480, ClinGen allele CA2483774.